The following is an entry in ClinVar:

NM_001127644.2(GABRA1):c.966C>T (p.Ala322=)

Gene: GABRA1 (gamma-aminobutyric acid type A receptor subunit alpha1; plus strand). Cytogenetic location: 5q34.
Variant type: single nucleotide variant.
Coding change: c.966C>T on transcript NM_001127644.2 (MANE Select); coding-DNA position 966, C replaced by T.
Protein change: p.Ala322=; no amino-acid change (alanine 322 retained).
Molecular consequence: synonymous variant.
Genome position (GRCh38, 1-based): chr5:161,895,775, C>T. VCF-style: chr5-161895775-C-T. GRCh37 (hg19) VCF-style: chr5-161322781-C-T.
Other names: c.966C>T, p.Ala322= (NM_000806.5, NM_001127643.2, NM_001127645.2 and 1 more transcripts).
Identifiers: ClinVar variation 757342 (VCV000757342.34), dbSNP rs201133616, ClinGen allele CA3544554.

ClinVar aggregate classification (germline): Likely benign. Review status: criteria provided, multiple submitters, no conflicts (2 of 4 stars). 3 submissions from 3 submitters: Likely benign (3). Last evaluated 2023-07-10.

Conditions:
Inborn genetic diseases. Identifiers: MedGen C0950123, MeSH D030342.
Epilepsy, childhood absence 4 (ECA4). Also called: EPILEPSY, CHILDHOOD ABSENCE, SUSCEPTIBILITY TO, 4. Identifiers: Orphanet 307, MedGen C1970160.
Idiopathic generalized epilepsy. Also called: EIG; Generalised epilepsy. Identifiers: MedGen C0270850, MONDO:0005579, OMIM 600669.
Epilepsy, idiopathic generalized, susceptibility to, 13. Also called: EPILEPSY, JUVENILE MYOCLONIC, SUSCEPTIBILITY TO, 5. Identifiers: Orphanet 307, Orphanet 64280, MedGen C4013473, MONDO:0012627, OMIM 611136.

Allele frequency attached by ClinVar (database versions not stated): TOPMed 0.00003; ExAC 0.00004; gnomAD 0.00004; ESP Exome Variant Server 0.00015; 1000 Genomes Project 0.00020; 1000 Genomes Project 30x 0.00031.
gnomAD v4.1: 51 of 1,613,942 alleles (0.0032%); highest among the groups gnomAD compares: Non-Finnish European, 0.0041%; no homozygotes.

Submissions (3):

Labcorp Genetics (formerly Invitae), Labcorp
Classification: Likely benign for Epilepsy, childhood absence 4; Epilepsy, idiopathic generalized, susceptibility to, 13; Idiopathic generalized epilepsy. Last evaluated: 2023-07-10. Review status: criteria provided, single submitter. Criteria: Invitae Variant Classification Sherloc (09022015). Collection method: clinical testing. Allele origin: germline.

CeGaT Center for Human Genetics Tuebingen
Classification: Likely benign. Last evaluated: 2023-04-01. Review status: criteria provided, single submitter. Criteria: CeGaT Center For Human Genetics Tuebingen Variant Classification Criteria Version 2. Collection method: clinical testing. Allele origin: germline. Affected: yes. Observed: 1 variant allele.
Comment: GABRA1: BP4, BP7

Ambry Genetics
Classification: Likely benign for Inborn genetic diseases. Last evaluated: 2019-10-23. Review status: criteria provided, single submitter. Criteria: Ambry Variant Classification Scheme 2023. Collection method: clinical testing. Allele origin: germline.